The following is an entry in ClinVar:

NM_001084.5(PLOD3):c.721C>T (p.Arg241Trp)

Gene: PLOD3 (procollagen-lysine,2-oxoglutarate 5-dioxygenase 3; minus strand). Cytogenetic location: 7q22.1.
Variant type: single nucleotide variant.
Coding change: c.721C>T on transcript NM_001084.5 (MANE Select); coding-DNA position 721, C replaced by T.
Protein change: p.Arg241Trp; replaces arginine 241 with tryptophan.
Molecular consequence: missense variant.
Genome position (GRCh38, 1-based): chr7:101,213,163, G>A on the plus strand (C>T on the coding strand, the complement: PLOD3 is on the minus strand). VCF-style: chr7-101213163-G-A. GRCh37 (hg19) VCF-style: chr7-100856444-G-A.
Other names: short protein forms R241W.
Identifiers: ClinVar variation 2970955 (VCV002970955.3), dbSNP rs757697926, ClinGen allele CA4408051.
Genomic context (GRCh38, chr7:101,213,163, plus strand): 5'-GCACCTTAGTGGGACCGTTTCCATGGACCACAATGGGGAGCGTGTCGTAGGCCACGTTCC[G>A]GATACGCACACGGTTCCGATCAAACTTTAAAACCACTTCATCTGGGGAAGAAAAAGGCCA-3'
Protein context (NP_001075.1, residues 231-251): LKFDRNRVRI[Arg241Trp]NVAYDTLPIV

ClinVar aggregate classification (germline): Uncertain significance (1 of 4 stars; one submission).

Allele frequency attached by ClinVar (database versions not stated): gnomAD exomes below 0.00001; ExAC 0.00002; TOPMed 0.00002.

Submission:

Labcorp Genetics (formerly Invitae), Labcorp
Classification: Uncertain significance. Last evaluated: 2023-04-01. Review status: criteria provided, single submitter. Criteria: Invitae Variant Classification Sherloc (09022015). Collection method: clinical testing. Allele origin: germline.
Comment: In summary, the available evidence is currently insufficient to determine the role of this variant in disease. Therefore, it has been classified as a Variant of Uncertain Significance. An algorithm developed to predict the effect of missense changes on protein structure and function (PolyPhen-2) suggests that this variant is likely to be disruptive. This variant has not been reported in the literature in individuals affected with PLOD3-related conditions. This variant is present in population databases (rs757697926, gnomAD 0.002%). This sequence change replaces arginine, which is basic and polar, with tryptophan, which is neutral and slightly polar, at codon 241 of the PLOD3 protein (p.Arg241Trp).